The following is an entry in ClinVar:

ClinVar aggregate classification (germline): Pathogenic/Likely pathogenic. Review status: criteria provided, multiple submitters, no conflicts (2 of 4 stars). 3 submissions from 3 submitters: Pathogenic (1); Likely pathogenic (2). Last evaluated 2021-11-09.

Conditions:
Retinal dystrophy. Also called: Inherited retinal dystrophy. Identifiers: Orphanet 71862, MedGen C0854723, MeSH D058499, MONDO:0019118, HP:0000556.

Allele frequency attached by ClinVar (database versions not stated): gnomAD exomes below 0.00001; ExAC 0.00001.
gnomAD v4.1: 2 of 1,613,700 alleles (0.00012%); highest among the groups gnomAD compares: East Asian, 0.0022%; no homozygotes.

Submissions (3):

Labcorp Genetics (formerly Invitae), Labcorp
Classification: Likely pathogenic. Last evaluated: 2021-11-09. Review status: criteria provided, single submitter. Criteria: Invitae Variant Classification Sherloc (09022015). Collection method: clinical testing. Allele origin: germline.
Comment: In summary, the currently available evidence indicates that the variant is pathogenic, but additional data are needed to prove that conclusively. Therefore, this variant has been classified as Likely Pathogenic. This sequence change affects an acceptor splice site in intron 11 of the PDE6B gene. It is expected to disrupt RNA splicing. Variants that disrupt the donor or acceptor splice site typically lead to a loss of protein function (PMID: 16199547), and loss-of-function variants in PDE6B are known to be pathogenic (PMID: 8394174, 8595886, 22334370). This variant is present in population databases (rs763371769, gnomAD 0.006%). This variant has not been reported in the literature in individuals affected with PDE6B-related conditions. ClinVar contains an entry for this variant (Variation ID: 450087). Algorithms developed to predict the effect of sequence changes on RNA splicing suggest that this variant may disrupt the consensus splice site.

GeneDx
Classification: Likely pathogenic. Last evaluated: 2017-06-29. Review status: criteria provided, single submitter. Criteria: GeneDx Variant Classification (06012015). Collection method: clinical testing. Allele origin: germline. Affected: yes.
Comment: The c.1468-2A>G variant in the PDE6B gene has not been reported previously as a pathogenic variant nor as a benign variant, to our knowledge. This splice site variant destroys the canonical splice acceptor site in intron 11. It is predicted to cause abnormal gene splicing, either leading to an abnormal message that is subject to nonsense-mediated mRNA decay, or to an abnormal protein product if the message is used for protein translation. The c.1468-2A>G variant is not observed at a significant frequency in large population cohorts (Lek et al., 2016; 1000 Genomes Consortium et al., 2015; Exome Variant Server). We interpret c.1468-2A>G as a likely pathogenic variant.

Institute of Human Genetics, Univ. Regensburg, Univ. Regensburg
Classification: Pathogenic for Retinal dystrophy. Last evaluated: 2017-01-01. Review status: criteria provided, single submitter. Criteria: ACMG Guidelines, 2015. Collection method: clinical testing. Allele origin: germline. Affected: yes.

Literature cited by the submitters: PubMed 16199547 (cited by Labcorp Genetics (formerly Invitae), Labcorp); PubMed 8394174 (cited by Labcorp Genetics (formerly Invitae), Labcorp); PubMed 8595886 (cited by Labcorp Genetics (formerly Invitae), Labcorp); PubMed 22334370 (cited by Labcorp Genetics (formerly Invitae), Labcorp); PubMed 31964843 (cited by Institute of Human Genetics, Univ. Regensburg, Univ. Regensburg).

NM_000283.4(PDE6B):c.1468-2A>G

Gene: PDE6B (phosphodiesterase 6B; plus strand). Cytogenetic location: 4p16.3.
Variant type: single nucleotide variant.
Coding change: c.1468-2A>G on transcript NM_000283.4 (MANE Select); the canonical splice acceptor site of the intron before coding-DNA position 1468, A replaced by G.
Molecular consequence: splice acceptor variant.
Genome position (GRCh38, 1-based): chr4:660,465, A>G. VCF-style: chr4-660465-A-G. GRCh37 (hg19) VCF-style: chr4-654254-A-G.
Other names: c.1468-2A>G (NM_001145291.2); c.631-2A>G (NM_001379246.1, NM_001379247.1, NM_001145292.2 and 1 more transcripts); c.313-2A>G (NM_001350155.3).
Identifiers: ClinVar variation 450087 (VCV000450087.9), dbSNP rs763371769, ClinGen allele CA2794553.